The following is an entry in ClinVar:

NM_001127671.2(LIFR):c.3289G>A (p.Asp1097Asn)

Gene: LIFR (LIF receptor subunit alpha; minus strand). Cytogenetic location: 5p13.1.
Variant type: single nucleotide variant.
Coding change: c.3289G>A on transcript NM_001127671.2 (MANE Select); coding-DNA position 3289, G replaced by A.
Protein change: p.Asp1097Asn; replaces aspartic acid 1097 with asparagine.
Molecular consequence: missense variant.
Genome position (GRCh38, 1-based): chr5:38,481,600, C>T on the plus strand (G>A on the coding strand, the complement: LIFR is on the minus strand). VCF-style: chr5-38481600-C-T. GRCh37 (hg19) VCF-style: chr5-38481702-C-T.
Other names: c.3289G>A, p.Asp1097Asn (NM_001364297.2, NM_002310.6); c.3256G>A, p.Asp1086Asn (NM_001364298.2); short protein forms D1097N, D1086N.
Identifiers: ClinVar variation 2202098 (VCV002202098.2), dbSNP rs373142822, ClinGen allele CA3242470.

ClinVar aggregate classification (germline): Conflicting classifications of pathogenicity. Review status: criteria provided, conflicting classifications (1 of 4 stars). 2 submissions from 2 submitters: Uncertain significance (1); Likely benign (1). Last evaluated 2024-04-15.

Conditions:
Stüve-Wiedemann syndrome 1. Also called: STUVE-WIEDEMANN/SCHWARTZ-JAMPEL TYPE 2 SYNDROME. Identifiers: Orphanet 3206, MedGen C5676888, MONDO:0800043, OMIM 601559.

Allele frequency attached by ClinVar (database versions not stated): ESP Exome Variant Server 0.00008; TOPMed 0.00014; gnomAD 0.00015; ExAC 0.00025; gnomAD exomes 0.00025.
gnomAD v4.1: 402 of 1,613,954 alleles (0.025%); highest among the groups gnomAD compares: South Asian, 0.04%; 1 homozygote.

Submissions (2):

Fulgent Genetics
Classification: Likely benign for Stüve-Wiedemann syndrome 1. Last evaluated: 2024-04-15. Review status: criteria provided, single submitter. Criteria: ACMG Guidelines, 2015. Collection method: clinical testing. Allele origin: germline.

Labcorp Genetics (formerly Invitae), Labcorp
Classification: Uncertain significance. Last evaluated: 2022-09-27. Review status: criteria provided, single submitter. Criteria: Invitae Variant Classification Sherloc (09022015). Collection method: clinical testing. Allele origin: germline.
Comment: This sequence change replaces aspartic acid, which is acidic and polar, with asparagine, which is neutral and polar, at codon 1097 of the LIFR protein (p.Asp1097Asn). This variant is present in population databases (rs373142822, gnomAD 0.05%), including at least one homozygous and/or hemizygous individual. This variant has not been reported in the literature in individuals affected with LIFR-related conditions. Algorithms developed to predict the effect of missense changes on protein structure and function are either unavailable or do not agree on the potential impact of this missense change (SIFT: "Tolerated"; PolyPhen-2: "Probably Damaging"; Align-GVGD: "Class C0"). In summary, the available evidence is currently insufficient to determine the role of this variant in disease. Therefore, it has been classified as a Variant of Uncertain Significance.